The following is an entry in ClinVar:

ClinVar aggregate classification (germline): Uncertain significance (1 of 4 stars; one submission).

Conditions:
Immunodeficiency 132A. Also called: Herpes simplex encephalitis, susceptibility to, 3. Identifiers: Orphanet 1930, MedGen C3553868, MONDO:0013920, OMIM 614849.

gnomAD v4.1: 1 of 1,614,244 alleles (0.000062%); highest among the groups gnomAD compares: South Asian, 0.0011%; no homozygotes.

Submission:

Labcorp Genetics (formerly Invitae), Labcorp
Classification: Uncertain significance for Immunodeficiency 132A. Last evaluated: 2025-12-03. Review status: criteria provided, single submitter. Criteria: Invitae Variant Classification Sherloc (09022015). Collection method: clinical testing. Allele origin: germline.
Comment: This sequence change replaces lysine, which is basic and polar, with arginine, which is basic and polar, at codon 331 of the TRAF3 protein (p.Lys331Arg). This variant is not present in population databases (gnomAD no frequency). This variant has not been reported in the literature in individuals affected with TRAF3-related conditions. An algorithm developed to predict the effect of missense changes on protein structure and function outputs the following: PolyPhen-2: "Benign". The arginine amino acid residue is found in multiple mammalian species, which suggests that this missense change does not adversely affect protein function. In summary, the available evidence is currently insufficient to determine the role of this variant in disease. Therefore, it has been classified as a Variant of Uncertain Significance.

NM_145725.3(TRAF3):c.992A>G (p.Lys331Arg)

Gene: TRAF3 (TNF receptor associated factor 3; plus strand). Cytogenetic location: 14q32.32.
Variant type: single nucleotide variant.
Coding change: c.992A>G on transcript NM_145725.3 (MANE Select); coding-DNA position 992, A replaced by G.
Protein change: p.Lys331Arg; replaces lysine 331 with arginine.
Molecular consequence: missense variant.
Genome position (GRCh38, 1-based): chr14:102,903,286, A>G. VCF-style: chr14-102903286-A-G. GRCh37 (hg19) VCF-style: chr14-103369623-A-G.
Other names: c.743A>G, p.Lys248Arg (NM_001199427.2); c.851A>G, p.Lys284Arg (NM_001385142.1); c.911A>G, p.Lys304Arg (NM_001385143.1); c.992A>G, p.Lys331Arg (NM_003300.4); c.917A>G, p.Lys306Arg (NM_145726.3); short protein forms K331R, K304R, K284R, K306R, K248R.
Identifiers: ClinVar variation 4732087 (VCV004732087.1).
Genomic context (GRCh38, chr14:102,903,286, plus strand): 5'-TTTGCTTTTTAACACCTTTGGTTTGGAAGCGAGTGATAGACAGCCAAGCAGAGAAACTGA[A>G]GGAGCTTGACAAGGAGATCCGGCCCTTCCGGCAGAACTGGGAGGAAGCAGACAGCATGAA-3'
Protein context (NP_663777.1, residues 321-341): RVIDSQAEKL[Lys331Arg]ELDKEIRPFR